The following is an entry in ClinVar:

NM_014822.4(SEC24D):c.799C>T (p.Pro267Ser)

Gene: SEC24D (SEC24 homolog D, COPII component; minus strand). Cytogenetic location: 4q26.
Variant type: single nucleotide variant.
Coding change: c.799C>T on transcript NM_014822.4 (MANE Select); coding-DNA position 799, C replaced by T.
Protein change: p.Pro267Ser; replaces proline 267 with serine.
Molecular consequence: missense variant.
Genome position (GRCh38, 1-based): chr4:118,815,030, G>A on the plus strand (C>T on the coding strand, the complement: SEC24D is on the minus strand). VCF-style: chr4-118815030-G-A. GRCh37 (hg19) VCF-style: chr4-119736185-G-A.
Other names: c.802C>T, p.Pro268Ser (NM_001318066.2); short protein forms P267S, P268S.
Identifiers: ClinVar variation 2050218 (VCV002050218.4), dbSNP rs765394633, ClinGen allele CA3057446.

ClinVar aggregate classification (germline): Uncertain significance (1 of 4 stars; one submission).

Allele frequency attached by ClinVar (database versions not stated): gnomAD exomes below 0.00001; gnomAD 0.00001; ExAC 0.00002.
gnomAD v4.1: 3 of 1,613,872 alleles (0.00019%); highest among the groups gnomAD compares: East Asian, 0.0022%; no homozygotes.

Submission:

Labcorp Genetics (formerly Invitae), Labcorp
Classification: Uncertain significance. Last evaluated: 2022-09-01. Review status: criteria provided, single submitter. Criteria: Invitae Variant Classification Sherloc (09022015). Collection method: clinical testing. Allele origin: germline.
Comment: In summary, the available evidence is currently insufficient to determine the role of this variant in disease. Therefore, it has been classified as a Variant of Uncertain Significance. Algorithms developed to predict the effect of missense changes on protein structure and function are either unavailable or do not agree on the potential impact of this missense change (SIFT: "Not Available"; PolyPhen-2: "Benign"; Align-GVGD: "Not Available"). This variant has not been reported in the literature in individuals affected with SEC24D-related conditions. This variant is present in population databases (rs765394633, gnomAD 0.01%). This sequence change replaces proline, which is neutral and non-polar, with serine, which is neutral and polar, at codon 267 of the SEC24D protein (p.Pro267Ser).